The following is an entry in ClinVar:

NM_001482.3(GATM):c.223T>A (p.Leu75Ile)

Gene: GATM (glycine amidinotransferase; minus strand). Cytogenetic location: 15q21.1.
Variant type: single nucleotide variant.
Coding change: c.223T>A on transcript NM_001482.3 (MANE Select); coding-DNA position 223, T replaced by A.
Protein change: p.Leu75Ile; replaces leucine 75 with isoleucine.
Molecular consequence: missense variant. On other transcripts: 5 prime UTR variant (1).
Genome position (GRCh38, 1-based): chr15:45,376,666, A>T on the plus strand (T>A on the coding strand, the complement: GATM is on the minus strand). VCF-style: chr15-45376666-A-T. GRCh37 (hg19) VCF-style: chr15-45668864-A-T.
Other names: c.-165T>A (NM_001321015.2); short protein forms L75I.
Identifiers: ClinVar variation 2144917 (VCV002144917.5), dbSNP rs1204057066, ClinGen allele CA392265165.

ClinVar aggregate classification (germline): Uncertain significance. Review status: criteria provided, multiple submitters, no conflicts (2 of 4 stars). 2 submissions from 2 submitters: Uncertain significance (2). Last evaluated 2025-01-14.

Conditions:
Fanconi renotubular syndrome 1. Also called: FRTS1; Toni-Debre-Fanconi syndrome; Neonatal De Toni-Debre-Fanconi syndrome; De Toni-Fanconi syndrome; LUDER-SHELDON SYNDROME. Identifiers: MedGen C4551503, MONDO:0024525, OMIM 134600.
Arginine:glycine amidinotransferase deficiency (CCDS3). Also called: AGAT deficiency; L-Arginine:Glycine Amidinotransferase Deficiency; L-Arginine:Glycine Amidinotransferase (AGAT) Deficiency; Creatine deficiency syndrome due to AGAT deficiency; GATM deficiency; Cerebral creatine deficiency syndrome 3. Identifiers: Orphanet 35704, MedGen C2675179, MONDO:0012996, OMIM 612718.

Allele frequency attached by ClinVar (database versions not stated): gnomAD 0.00001; gnomAD exomes 0.00001; TOPMed 0.00001.
gnomAD v4.1: 15 of 1,614,002 alleles (0.00093%); highest among the groups gnomAD compares: African/African-American, 0.0027%; no homozygotes.

Submissions (2):

Labcorp Genetics (formerly Invitae), Labcorp
Classification: Uncertain significance for Arginine:glycine amidinotransferase deficiency. Last evaluated: 2025-01-14. Review status: criteria provided, single submitter. Criteria: Invitae Variant Classification Sherloc (09022015). Collection method: clinical testing. Allele origin: germline.
Comment: This sequence change replaces leucine, which is neutral and non-polar, with isoleucine, which is neutral and non-polar, at codon 75 of the GATM protein (p.Leu75Ile). This variant is present in population databases (no rsID available, gnomAD 0.01%). This variant has not been reported in the literature in individuals affected with GATM-related conditions. ClinVar contains an entry for this variant (Variation ID: 2144917). Invitae Evidence Modeling of protein sequence and biophysical properties (such as structural, functional, and spatial information, amino acid conservation, physicochemical variation, residue mobility, and thermodynamic stability) indicates that this missense variant is expected to disrupt GATM protein function with a positive predictive value of 95%. In summary, the available evidence is currently insufficient to determine the role of this variant in disease. Therefore, it has been classified as a Variant of Uncertain Significance.

Fulgent Genetics
Classification: Uncertain significance for Fanconi renotubular syndrome 1; Arginine:glycine amidinotransferase deficiency. Last evaluated: 2024-05-27. Review status: criteria provided, single submitter. Criteria: ACMG Guidelines, 2015. Collection method: clinical testing. Allele origin: germline.